The following is an entry in ClinVar:

NM_000038.6(APC):c.1377_1383del (p.Glu460fs)

Gene: APC (APC regulator of WNT signaling pathway; plus strand). Cytogenetic location: 5q22.2.
Variant type: Deletion.
Coding change: c.1377_1383del on transcript NM_000038.6 (MANE Select); coding-DNA positions 1377 to 1383, 7 bases deleted (TGAAGAG; older notation c.1377_1383delTGAAGAG).
Protein change: p.Glu460fs; shifts the reading frame from glutamic acid 460.
Molecular consequence: frameshift variant.
Genome position (GRCh38, 1-based): chr5:112,821,960-112,821,966, TGAAGAG deleted. VCF-style (leftmost placement, unchanged base first): chr5-112821959-ATGAAGAG-A. GRCh37 (hg19) VCF-style: chr5-112157656-ATGAAGAG-A.
Other names: c.1377_1383del, p.Glu460fs (NM_001127510.3, NM_001354895.2, NM_001354896.2); c.1323_1329del, p.Glu442fs (NM_001127511.3); c.1407_1413del, p.Glu470fs (NM_001354897.2); c.1302_1308del, p.Glu435fs (NM_001354898.2); c.1293_1299del, p.Glu432fs (NM_001354899.2); c.1200_1206del, p.Glu401fs (NM_001354900.2, NM_001354901.2); c.1104_1110del, p.Glu369fs (NM_001354902.2); c.1074_1080del, p.Glu359fs (NM_001354903.2); and 3 more; short protein forms E435fs, E460fs, E300fs, E359fs, E177fs, E334fs, E369fs, E432fs.
Identifiers: ClinVar variation 545763 (VCV000545763.2), dbSNP rs1554080716, ClinGen allele CA658823329.

ClinVar aggregate classification (germline): Likely pathogenic (1 of 4 stars; one submission).

Submission:

GeneDx
Classification: Likely pathogenic. Last evaluated: 2017-01-30. Review status: criteria provided, single submitter. Criteria: GeneDx Variant Classification (06012015). Collection method: clinical testing. Allele origin: germline. Affected: yes.
Comment: This deletion of seven nucleotides in APC is denoted c.1377_1383delTGAAGAG at the cDNA level and p.Glu460IlefsX5 (E460IfsX5) at the protein level. The normal sequence, with the bases that are deleted in brackets, is TTGA[delTGAAGAG]CATA. The deletion causes a frameshift which changes a Glutamic Acid to an Isoleucine at codon 460, and creates a premature stop codon at position 5 of the new reading frame. Although this variant has not, to our knowledge, been reported in the literature, it is predicted to cause loss of normal protein function through either protein truncation or nonsense-mediated mRNA decay. Based on the currently available information, we consider this deletion to be a likely pathogenic variant.